The following is an entry in ClinVar:

NM_001177693.2(ARHGEF28):c.360C>T (p.Thr120=)

Gene: ARHGEF28 (Rho guanine nucleotide exchange factor 28; plus strand). Cytogenetic location: 5q13.2.
Variant type: single nucleotide variant.
Coding change: c.360C>T on transcript NM_001177693.2 (MANE Select); coding-DNA position 360, C replaced by T.
Protein change: p.Thr120=; no amino-acid change (threonine 120 retained).
Molecular consequence: synonymous variant. On other transcripts: intron variant (1).
Genome position (GRCh38, 1-based): chr5:73,753,087, C>T. VCF-style: chr5-73753087-C-T. GRCh37 (hg19) VCF-style: chr5-73048912-C-T.
Other names: c.360C>T, p.Thr120= (NM_001080479.3, NM_001388078.1); c.181+3103C>T (NM_001388076.1).
Identifiers: ClinVar variation 3031873 (VCV003031873.2), dbSNP rs377228313, ClinGen allele CA3304170.
Genomic context (GRCh38, chr5:73,753,087, plus strand): 5'-TCGTCTGCTGGTGACGCAGGCCAATCGCCTCACAGCCTGCAGCCACCAGACCCTGCTGAC[C>T]CCATTTGCCTTGACGGCAGGAGCACTGCCTGCCTTGGATGAGGAGCTCGTGCTGGCTCTG-3'
Protein context (NP_001171164.1, residues 110-130): LTACSHQTLL[Thr120=]PFALTAGALP

ClinVar aggregate classification (germline): Likely benign (0 of 4 stars; one submission).

Conditions:
ARHGEF28-related disorder. Also called: ARHGEF28-related condition.

Allele frequency attached by ClinVar (database versions not stated): gnomAD exomes below 0.00001; ExAC 0.00002; ESP Exome Variant Server 0.00008.
gnomAD v4.1: 5 of 1,607,104 alleles (0.00031%); highest among the groups gnomAD compares: African/African-American, 0.0067%; no homozygotes.

Submission:

PreventionGenetics, part of Exact Sciences
Classification: Likely benign for ARHGEF28-related condition. Last evaluated: 2023-05-31. Review status: no assertion criteria provided. Collection method: clinical testing. Allele origin: germline.
Comment: This variant is classified as likely benign based on ACMG/AMP sequence variant interpretation guidelines (Richards et al. 2015 PMID: 25741868, with internal and published modifications).